The following is an entry in ClinVar:

ClinVar aggregate classification (germline): Uncertain significance (1 of 4 stars; one submission).

gnomAD v4.1: 1 of 1,614,182 alleles (0.000062%); highest among the groups gnomAD compares: Admixed American, 0.0017%; no homozygotes.

Submission:

Labcorp Genetics (formerly Invitae), Labcorp
Classification: Uncertain significance. Last evaluated: 2023-08-07. Review status: criteria provided, single submitter. Criteria: Invitae Variant Classification Sherloc (09022015). Collection method: clinical testing. Allele origin: germline.
Comment: In summary, the available evidence is currently insufficient to determine the role of this variant in disease. Therefore, it has been classified as a Variant of Uncertain Significance. Advanced modeling of protein sequence and biophysical properties (such as structural, functional, and spatial information, amino acid conservation, physicochemical variation, residue mobility, and thermodynamic stability) performed at Invitae indicates that this missense variant is not expected to disrupt CDK13 protein function. This variant has not been reported in the literature in individuals affected with CDK13-related conditions. This variant is present in population databases (no rsID available, gnomAD 0.003%). This sequence change replaces glutamic acid, which is acidic and polar, with alanine, which is neutral and non-polar, at codon 481 of the CDK13 protein (p.Glu481Ala).

NM_003718.5(CDK13):c.1442A>C (p.Glu481Ala)

Gene: CDK13 (cyclin dependent kinase 13; plus strand). Cytogenetic location: 7p14.1.
Variant type: single nucleotide variant.
Coding change: c.1442A>C on transcript NM_003718.5 (MANE Select); coding-DNA position 1442, A replaced by C.
Protein change: p.Glu481Ala; replaces glutamic acid 481 with alanine.
Molecular consequence: missense variant.
Genome position (GRCh38, 1-based): chr7:39,987,829, A>C. VCF-style: chr7-39987829-A-C. GRCh37 (hg19) VCF-style: chr7-40027428-A-C.
Other names: c.1442A>C, p.Glu481Ala (NM_031267.4); short protein forms E481A.
Identifiers: ClinVar variation 2800796 (VCV002800796.3), dbSNP rs1182167327, ClinGen allele CA367282524.